The following is an entry in ClinVar:

ClinVar aggregate classification (germline): Uncertain significance. Review status: criteria provided, multiple submitters, no conflicts (2 of 4 stars). 2 submissions from 2 submitters: Uncertain significance (2). Last evaluated 2024-03-07.

Conditions:
Hereditary cancer-predisposing syndrome. Also called: Hereditary neoplastic syndrome; Neoplastic Syndromes, Hereditary; Tumor predisposition; Hereditary Cancer Syndrome. Identifiers: Orphanet 140162, MedGen C0027672, MeSH D009386, MONDO:0015356.
Fanconi anemia complementation group J. Also called: BRIP1-Related Fanconi Anemia. Identifiers: Orphanet 84, MedGen C1836860, MONDO:0012187, OMIM 609054.
Familial cancer of breast. Also called: BREAST CANCER, FAMILIAL; Hereditary breast cancer; hereditary breast carcinoma. Identifiers: Orphanet 227535, MedGen C0346153, MONDO:0016419, OMIM 114480. Disease mechanism: loss of function.

Allele frequency attached by ClinVar (database versions not stated): gnomAD exomes below 0.00001 and 0.00001; ExAC 0.00002.
gnomAD v4.1: 3 of 1,614,174 alleles (0.00019%); highest among the groups gnomAD compares: Non-Finnish European, 0.00017%; no homozygotes.

Submissions (2):

Color Diagnostics, LLC DBA Color Health
Classification: Uncertain significance for Hereditary cancer-predisposing syndrome. Last evaluated: 2024-03-07. Review status: criteria provided, single submitter. Criteria: ACMG Guidelines, 2015. Collection method: clinical testing. Allele origin: germline.
Comment: This missense variant replaces lysine with glutamic acid at codon 1015 of the BRIP1 protein. Computational prediction suggests that this variant may not impact protein structure and function (internally defined REVEL score threshold <= 0.5, PMID: 27666373). To our knowledge, functional studies have not been reported for this variant. This variant has not been reported in individuals affected with hereditary cancer in the literature. This variant has been identified in 2/251408 chromosomes in the general population by the Genome Aggregation Database (gnomAD). The available evidence is insufficient to determine the role of this variant in disease conclusively. Therefore, this variant is classified as a Variant of Uncertain Significance.

Labcorp Genetics (formerly Invitae), Labcorp
Classification: Uncertain significance for Familial cancer of breast; Fanconi anemia complementation group J. Last evaluated: 2020-10-23. Review status: criteria provided, single submitter. Criteria: Invitae Variant Classification Sherloc (09022015). Collection method: clinical testing. Allele origin: germline.
Comment: This variant is present in population databases (rs769692303, ExAC 0.003%). This sequence change replaces lysine with glutamic acid at codon 1015 of the BRIP1 protein (p.Lys1015Glu). The lysine residue is weakly conserved and there is a small physicochemical difference between lysine and glutamic acid. This variant has not been reported in the literature in individuals with BRIP1-related conditions. In summary, the available evidence is currently insufficient to determine the role of this variant in disease. Therefore, it has been classified as a Variant of Uncertain Significance. Algorithms developed to predict the effect of missense changes on protein structure and function output the following: SIFT: "Tolerated"; PolyPhen-2: "Benign"; Align-GVGD: "Class C0". The glutamic acid amino acid residue is found in multiple mammalian species, suggesting that this missense change does not adversely affect protein function. These predictions have not been confirmed by published functional studies and their clinical significance is uncertain.

NM_032043.3(BRIP1):c.3043A>G (p.Lys1015Glu)

Gene: BRIP1 (BRCA1 interacting DNA helicase 1; minus strand). Cytogenetic location: 17q23.2.
Variant type: single nucleotide variant.
Coding change: c.3043A>G on transcript NM_032043.3 (MANE Select); coding-DNA position 3043, A replaced by G.
Protein change: p.Lys1015Glu; replaces lysine 1015 with glutamic acid.
Molecular consequence: missense variant.
Genome position (GRCh38, 1-based): chr17:61,684,003, T>C on the plus strand (A>G on the coding strand, the complement: BRIP1 is on the minus strand). VCF-style: chr17-61684003-T-C. GRCh37 (hg19) VCF-style: chr17-59761364-T-C.
Other names: short protein forms K1015E.
Identifiers: ClinVar variation 1041177 (VCV001041177.13), dbSNP rs769692303, ClinGen allele CA8690407.